The following is an entry in ClinVar:

ClinVar aggregate classification (germline): Uncertain significance (1 of 4 stars; one submission).

Submission:

Labcorp Genetics (formerly Invitae), Labcorp
Classification: Uncertain significance. Last evaluated: 2022-08-05. Review status: criteria provided, single submitter. Criteria: Invitae Variant Classification Sherloc (09022015). Collection method: clinical testing. Allele origin: germline.
Comment: This variant is not present in population databases (gnomAD no frequency). This sequence change replaces proline, which is neutral and non-polar, with serine, which is neutral and polar, at codon 202 of the LYN protein (p.Pro202Ser). This variant has not been reported in the literature in individuals affected with LYN-related conditions. Algorithms developed to predict the effect of missense changes on protein structure and function (SIFT, PolyPhen-2, Align-GVGD) all suggest that this variant is likely to be tolerated. In summary, the available evidence is currently insufficient to determine the role of this variant in disease. Therefore, it has been classified as a Variant of Uncertain Significance.

NM_002350.4(LYN):c.604C>T (p.Pro202Ser)

Gene: LYN (LYN proto-oncogene, Src family tyrosine kinase; plus strand). Cytogenetic location: 8q12.1.
Variant type: single nucleotide variant.
Coding change: c.604C>T on transcript NM_002350.4 (MANE Select); coding-DNA position 604, C replaced by T.
Protein change: p.Pro202Ser; replaces proline 202 with serine.
Molecular consequence: missense variant.
Genome position (GRCh38, 1-based): chr8:55,952,082, C>T. VCF-style: chr8-55952082-C-T. GRCh37 (hg19) VCF-style: chr8-56864641-C-T.
Other names: c.541C>T, p.Pro181Ser (NM_001111097.3); short protein forms P181S, P202S.
Identifiers: ClinVar variation 1976380 (VCV001976380.5), dbSNP rs1450616523, ClinGen allele CA371281551.